The following is an entry in ClinVar:

NM_000127.3(EXT1):c.796T>A (p.Phe266Ile)

Gene: EXT1 (exostosin glycosyltransferase 1; minus strand). Cytogenetic location: 8q24.11.
Variant type: single nucleotide variant.
Coding change: c.796T>A on transcript NM_000127.3 (MANE Select); coding-DNA position 796, T replaced by A.
Protein change: p.Phe266Ile; replaces phenylalanine 266 with isoleucine.
Molecular consequence: missense variant.
Genome position (GRCh38, 1-based): chr8:118,110,251, A>T on the plus strand (T>A on the coding strand, the complement: EXT1 is on the minus strand). VCF-style: chr8-118110251-A-T. GRCh37 (hg19) VCF-style: chr8-119122490-A-T.
Other names: short protein forms F266I.
Identifiers: ClinVar variation 1404693 (VCV001404693.8), dbSNP rs2130041754, ClinGen allele CA371915035.

ClinVar aggregate classification (germline): Uncertain significance (1 of 4 stars; one submission).

Conditions:
Multiple congenital exostosis (EXT). Also called: Multiple osteochondromas; MULTIPLE CARTILAGINOUS EXOSTOSES; Multiple exostoses; Hereditary multiple exostoses; Hereditary multiple exostosis; Hereditary multiple osteochondromas. Identifiers: Orphanet 321, MedGen C0015306, MONDO:0005508, HP:0002762.

Submission:

Labcorp Genetics (formerly Invitae), Labcorp
Classification: Uncertain significance for Multiple congenital exostosis. Last evaluated: 2021-03-22. Review status: criteria provided, single submitter. Criteria: Invitae Variant Classification Sherloc (09022015). Collection method: clinical testing. Allele origin: germline.
Comment: Algorithms developed to predict the effect of sequence changes on RNA splicing suggest that this variant may create or strengthen a splice site, but this prediction has not been confirmed by published transcriptional studies. Advanced modeling of protein sequence and biophysical properties (such as structural, functional, and spatial information, amino acid conservation, physicochemical variation, residue mobility, and thermodynamic stability) performed at Invitae indicates that this missense variant is expected to disrupt EXT1 protein function. This variant has not been reported in the literature in individuals with EXT1-related conditions. This variant is not present in population databases (ExAC no frequency). This sequence change replaces phenylalanine with isoleucine at codon 266 of the EXT1 protein (p.Phe266Ile). The phenylalanine residue is highly conserved and there is a small physicochemical difference between phenylalanine and isoleucine. In summary, the available evidence is currently insufficient to determine the role of this variant in disease. Therefore, it has been classified as a Variant of Uncertain Significance.